The following is an entry in ClinVar:

ClinVar aggregate classification (germline): Uncertain significance. Review status: criteria provided, multiple submitters, no conflicts (2 of 4 stars). 2 submissions from 2 submitters: Uncertain significance (2). Last evaluated 2025-10-09.

Allele frequency attached by ClinVar (database versions not stated): gnomAD 0.00004; 1000 Genomes Project 30x 0.00016; ESP Exome Variant Server 0.00008; 1000 Genomes Project 0.00020.
gnomAD v4.1: 79 of 1,613,202 alleles (0.0049%); highest among the groups gnomAD compares: Non-Finnish European, 0.0063%; no homozygotes.

Submissions (2):

Labcorp Genetics (formerly Invitae), Labcorp
Classification: Uncertain significance. Last evaluated: 2025-10-09. Review status: criteria provided, single submitter. Criteria: Invitae Variant Classification Sherloc (09022015). Collection method: clinical testing. Allele origin: germline.
Comment: This sequence change replaces arginine, which is basic and polar, with cysteine, which is neutral and slightly polar, at codon 618 of the SYNPO protein (p.Arg618Cys). This variant is present in population databases (rs199689202, gnomAD 0.004%). This variant has not been reported in the literature in individuals affected with SYNPO-related conditions. ClinVar contains an entry for this variant (Variation ID: 2508228). An algorithm developed to predict the effect of missense changes on protein structure and function (PolyPhen-2) suggests that this variant is likely to be disruptive. In summary, the available evidence is currently insufficient to determine the role of this variant in disease. Therefore, it has been classified as a Variant of Uncertain Significance.

Ambry Genetics
Classification: Uncertain significance. Last evaluated: 2023-06-12. Review status: criteria provided, single submitter. Criteria: Ambry Variant Classification Scheme 2023. Collection method: clinical testing. Allele origin: germline.

NM_007286.6(SYNPO):c.1852C>T (p.Arg618Cys)

Gene: SYNPO (synaptopodin; plus strand). Cytogenetic location: 5q33.1.
Variant type: single nucleotide variant.
Coding change: c.1852C>T on transcript NM_007286.6 (MANE Select); coding-DNA position 1852, C replaced by T.
Protein change: p.Arg618Cys; replaces arginine 618 with cysteine.
Molecular consequence: missense variant.
Genome position (GRCh38, 1-based): chr5:150,650,127, C>T. VCF-style: chr5-150650127-C-T. GRCh37 (hg19) VCF-style: chr5-150029689-C-T.
Other names: c.1852C>T, p.Arg618Cys (NM_001109974.3); c.2584C>T, p.Arg862Cys (NM_001166208.2, NM_001166209.2); short protein forms R862C, R618C.
Identifiers: ClinVar variation 2508228 (VCV002508228.3), dbSNP rs199689202, ClinGen allele CA3513504.